The following is an entry in ClinVar:

NM_000548.5(TSC2):c.5262C>A (p.Ile1754=)

Gene: TSC2 (TSC complex subunit 2; plus strand). Cytogenetic location: 16p13.3.
Variant type: single nucleotide variant.
Coding change: c.5262C>A on transcript NM_000548.5 (MANE Select); coding-DNA position 5262, C replaced by A.
Protein change: p.Ile1754=; no amino-acid change (isoleucine 1754 retained).
Molecular consequence: synonymous variant.
Genome position (GRCh38, 1-based): chr16:2,088,448, C>A. VCF-style: chr16-2088448-C-A. GRCh37 (hg19) VCF-style: chr16-2138449-C-A.
Other names: c.5061C>A, p.Ile1687= (NM_001077183.3); c.5193C>A, p.Ile1731= (NM_001114382.3); c.4953C>A, p.Ile1651= (NM_001318827.2); c.4917C>A, p.Ile1639= (NM_001318829.2); c.4530C>A, p.Ile1510= (NM_001318831.2); c.5094C>A, p.Ile1698= (NM_001318832.2); c.5064C>A, p.Ile1688= (NM_001363528.2); c.5130C>A, p.Ile1710= (NM_001370404.1); and 2 more.
Identifiers: ClinVar variation 468153 (VCV000468153.58), dbSNP rs397515318, ClinGen allele CA054835.

ClinVar aggregate classification (germline): Benign/Likely benign. Review status: criteria provided, multiple submitters, no conflicts (2 of 4 stars). 7 submissions from 7 submitters: Benign (2); Likely benign (5). Last evaluated 2025-07-21.

Conditions:
Tuberous sclerosis 2 (TSC2). Identifiers: Orphanet 805, MedGen C1860707, MONDO:0013199, OMIM 613254.
Hereditary cancer-predisposing syndrome. Also called: Hereditary neoplastic syndrome; Neoplastic Syndromes, Hereditary; Tumor predisposition; Hereditary Cancer Syndrome. Identifiers: Orphanet 140162, MedGen C0027672, MeSH D009386, MONDO:0015356.
Tuberous sclerosis syndrome (TSC). Also called: Tuberous Sclerosis Complex; Tuberous sclerosis. Identifiers: Orphanet 805, MedGen C0041341, MONDO:0001734.

gnomAD v4.1: 19 of 1,612,692 alleles (0.0012%); highest among the groups gnomAD compares: African/African-American, 0.0027%; no homozygotes.

Submissions (7):

Labcorp Genetics (formerly Invitae), Labcorp
Classification: Likely benign for Tuberous sclerosis 2. Last evaluated: 2025-07-21. Review status: criteria provided, single submitter. Criteria: Invitae Variant Classification Sherloc (09022015). Collection method: clinical testing. Allele origin: germline.

Myriad Genetics, Inc.
Classification: Benign for Tuberous sclerosis 2. Last evaluated: 2025-06-06. Review status: criteria provided, single submitter. Criteria: Myriad Autosomal Dominant, Autosomal Recessive and X-Linked Classification Criteria (2023). Collection method: clinical testing. Allele origin: unknown.
Comment: This variant is considered benign. This variant is a silent/synonymous amino acid change and it is not expected to impact splicing.

All of Us Research Program, National Institutes of Health
Classification: Likely benign for Tuberous sclerosis syndrome. Last evaluated: 2023-05-04. Review status: criteria provided, single submitter. Criteria: ACMG Guidelines, 2015. Collection method: clinical testing. Allele origin: germline. Inheritance: Autosomal dominant inheritance. Observed: 2 variant alleles, 2 heterozygotes.
Comment: This study involves interpretation of variants in research participants for the purpose of population health screening. Participant phenotype was not available at the time of variant classification. Additional details can be found in publication PMID: 35346344, PMCID: PMC8962531

Genome-Nilou Lab
Classification: Benign for Tuberous sclerosis 2. Last evaluated: 2021-11-07. Review status: criteria provided, single submitter. Criteria: ACMG Guidelines, 2015. Collection method: clinical testing. Allele origin: germline. Affected: no.

Sema4
Classification: Likely benign for Hereditary cancer-predisposing syndrome. Last evaluated: 2020-12-08. Review status: criteria provided, single submitter. Criteria: Sema4 Curation Guidelines. Collection method: curation. Allele origin: germline.

GeneDx
Classification: Likely benign. Last evaluated: 2018-08-02. Review status: criteria provided, single submitter. Criteria: GeneDx Variant Classification Process June 2021. Collection method: clinical testing. Allele origin: germline. Affected: yes.

Ambry Genetics
Classification: Likely benign for Hereditary cancer-predisposing syndrome. Last evaluated: 2015-11-13. Review status: criteria provided, single submitter. Criteria: Ambry Variant Classification Scheme 2023. Collection method: clinical testing. Allele origin: germline.